The following is an entry in ClinVar:

ClinVar aggregate classification (germline): Uncertain significance (1 of 4 stars; one submission).

Conditions:
Developmental and epileptic encephalopathy 94 (DEE94). Also called: CHD2-Related Neurodevelopmental Disorders; Epileptic encephalopathy, childhood-onset. Identifiers: Orphanet 1942, Orphanet 2382, MedGen C3809278, MONDO:0014150, OMIM 615369.

gnomAD v4.1: 1 of 1,611,528 alleles (0.000062%); highest among the groups gnomAD compares: Non-Finnish European, 0.000085%; no homozygotes.

Submission:

Labcorp Genetics (formerly Invitae), Labcorp
Classification: Uncertain significance for Developmental and epileptic encephalopathy 94. Last evaluated: 2024-03-27. Review status: criteria provided, single submitter. Criteria: Invitae Variant Classification Sherloc (09022015). Collection method: clinical testing. Allele origin: germline.
Comment: This sequence change replaces aspartic acid, which is acidic and polar, with glycine, which is neutral and non-polar, at codon 346 of the CHD2 protein (p.Asp346Gly). This variant is not present in population databases (gnomAD no frequency). This variant has not been reported in the literature in individuals affected with CHD2-related conditions. Advanced modeling of protein sequence and biophysical properties (such as structural, functional, and spatial information, amino acid conservation, physicochemical variation, residue mobility, and thermodynamic stability) performed at Invitae indicates that this missense variant is not expected to disrupt CHD2 protein function with a negative predictive value of 95%. In summary, the available evidence is currently insufficient to determine the role of this variant in disease. Therefore, it has been classified as a Variant of Uncertain Significance.

NM_001271.4(CHD2):c.1037A>G (p.Asp346Gly)

Gene: CHD2 (chromodomain helicase DNA binding protein 2; plus strand). Cytogenetic location: 15q26.1.
Variant type: single nucleotide variant.
Coding change: c.1037A>G on transcript NM_001271.4 (MANE Select); coding-DNA position 1037, A replaced by G.
Protein change: p.Asp346Gly; replaces aspartic acid 346 with glycine.
Molecular consequence: missense variant.
Genome position (GRCh38, 1-based): chr15:92,943,053, A>G. VCF-style: chr15-92943053-A-G. GRCh37 (hg19) VCF-style: chr15-93486283-A-G.
Other names: c.1037A>G, p.Asp346Gly (NM_001042572.3); short protein forms D346G.
Identifiers: ClinVar variation 3679523 (VCV003679523.2).
Genomic context (GRCh38, chr15:92,943,053, plus strand): 5'-CCTTACAGCAACAGAAAGTGAAGGGCCTAAAAAAACTAGAGAACTTCAAGAAAAAAGAGG[A>G]CGAAATCAAACAATGGTATATTTTCCATCATGGATTAAAGAAATGTATTTGCAGCCTGAA-3'
Protein context (NP_001262.3, residues 336-356): KKLENFKKKE[Asp346Gly]EIKQWLGKVS